The following is an entry in ClinVar:

NM_152424.4(AMER1):c.2266G>A (p.Glu756Lys)

Gene: AMER1 (APC membrane recruitment protein 1; minus strand). Cytogenetic location: Xq11.2.
Variant type: single nucleotide variant.
Coding change: c.2266G>A on transcript NM_152424.4 (MANE Select); coding-DNA position 2266, G replaced by A.
Protein change: p.Glu756Lys; replaces glutamic acid 756 with lysine.
Molecular consequence: missense variant.
Genome position (GRCh38, 1-based): chrX:64,191,021, C>T on the plus strand (G>A on the coding strand, the complement: AMER1 is on the minus strand). VCF-style: chrX-64191021-C-T. GRCh37 (hg19) VCF-style: chrX-63410901-C-T.
Other names: short protein forms E756K.
Identifiers: ClinVar variation 2722035 (VCV002722035.3), dbSNP rs2147086465, ClinGen allele CA413304782.
Genomic context (GRCh38, chrX:64,191,021, plus strand): 5'-ACTCTACCAGGGCCTGTGAGAAACTCACAGTGGCATTCCCTTCCTTCTCAACCTCCTCTT[C>T]CTCTGGATCTTCAGGGGGTGAATAAGTAGGGTAGGCCCTCCTGGGAGATCCTCCAAAATT-3'
Protein context (NP_689637.3, residues 746-766): PTYSPPEDPE[Glu756Lys]EEVEKEGNAT

ClinVar aggregate classification (germline): Uncertain significance (1 of 4 stars; one submission).

Submission:

Labcorp Genetics (formerly Invitae), Labcorp
Classification: Uncertain significance. Last evaluated: 2023-07-04. Review status: criteria provided, single submitter. Criteria: Invitae Variant Classification Sherloc (09022015). Collection method: clinical testing. Allele origin: germline.
Comment: This sequence change replaces glutamic acid, which is acidic and polar, with lysine, which is basic and polar, at codon 756 of the AMER1 protein (p.Glu756Lys). This variant is not present in population databases (gnomAD no frequency). This variant has not been reported in the literature in individuals affected with AMER1-related conditions. An algorithm developed to predict the effect of missense changes on protein structure and function (PolyPhen-2) suggests that this variant is likely to be tolerated. In summary, the available evidence is currently insufficient to determine the role of this variant in disease. Therefore, it has been classified as a Variant of Uncertain Significance.